The following is an entry in ClinVar:

ClinVar aggregate classification (germline): Pathogenic (1 of 4 stars; one submission).

Conditions:
Baller-Gerold syndrome (BGS). Also called: CRANIOSYNOSTOSIS WITH RADIAL DEFECTS. Identifiers: Orphanet 1225, MedGen C0265308, MONDO:0009039, OMIM 218600.

Submission:

Labcorp Genetics (formerly Invitae), Labcorp
Classification: Pathogenic for Baller-Gerold syndrome. Last evaluated: 2023-12-30. Review status: criteria provided, single submitter. Criteria: Invitae Variant Classification Sherloc (09022015). Collection method: clinical testing. Allele origin: germline.
Comment: This sequence change creates a premature translational stop signal (p.His81Ilefs*2) in the RECQL4 gene. It is expected to result in an absent or disrupted protein product. Loss-of-function variants in RECQL4 are known to be pathogenic (PMID: 12734318, 12952869). This variant is not present in population databases (gnomAD no frequency). This variant has not been reported in the literature in individuals affected with RECQL4-related conditions. For these reasons, this variant has been classified as Pathogenic.

Literature cited by the submitters: PubMed 12734318; PubMed 12952869.

NM_004260.4(RECQL4):c.241del (p.His81fs)

Gene: RECQL4 (RecQ like helicase 4; minus strand). Cytogenetic location: 8q24.3.
Variant type: Deletion.
Coding change: c.241del on transcript NM_004260.4 (MANE Select); coding-DNA position 241, one base deleted (C; older notation c.241delC).
Protein change: p.His81fs; shifts the reading frame from histidine 81.
Molecular consequence: frameshift variant. On other transcripts: 5 prime UTR variant (17), non-coding transcript variant (3).
Genome position (GRCh38, 1-based): chr8:144,517,163, G deleted on the plus strand (C on the coding strand, the reverse complement: RECQL4 is on the minus strand); the first of 4 consecutive G bases (chr8:144,517,163-144,517,166); deleting any one gives the same sequence. VCF-style (leftmost placement, unchanged base first): chr8-144517162-TG-T. GRCh37 (hg19) VCF-style: chr8-145742546-TG-T.
Other names: c.241del, p.His81fs (NM_001413017.1, NM_001413018.1, NM_001413019.1 and 5 more transcripts); c.-480del (NM_001413021.1); c.-831del (NM_001413022.1, NM_001413023.1, NM_001413037.1 and 3 more transcripts); c.-728del (NM_001413024.1, NM_001413035.1); c.112del, p.His38fs (NM_001413025.1); c.-893del (NM_001413027.1, NM_001413030.1, NM_001413031.1 and 1 more transcripts); c.-556del (NM_001413028.1); c.-790del (NM_001413032.1); and 2 more; short protein forms H81fs, H38fs.
Identifiers: ClinVar variation 2769393 (VCV002769393.3), dbSNP rs1426829329, ClinGen allele CA848893132.